The following is an entry in ClinVar:

NM_023067.4(FOXL2):c.63T>G (p.Gly21=)

Gene: FOXL2 (forkhead box L2; minus strand). Cytogenetic location: 3q22.3.
Variant type: single nucleotide variant.
Coding change: c.63T>G on transcript NM_023067.4 (MANE Select); coding-DNA position 63, T replaced by G.
Protein change: p.Gly21=; no amino-acid change (glycine 21 retained).
Molecular consequence: synonymous variant.
Genome position (GRCh38, 1-based): chr3:138,946,660, A>C on the plus strand (T>G on the coding strand, the complement: FOXL2 is on the minus strand). VCF-style: chr3-138946660-A-C. GRCh37 (hg19) VCF-style: chr3-138665502-A-C.
Identifiers: ClinVar variation 3655541 (VCV003655541.2).
Genomic context (GRCh38, chr3:138,946,660, plus strand): 5'-GCCACCCCCACCGCCCTTGCCTGGGCTCGGCGGCGGCCCTTCTGGCTCCTTGACTGTGCG[A>C]CCGGTCTCTGGGGCCAGCAGGGCCCCCGCCGCGTCCTCGGGCTCGGGGTAGCTGGCCATC-3'
Protein context (NP_075555.1, residues 11-31): AAGALLAPET[Gly21=]RTVKEPEGPP

ClinVar aggregate classification (germline): Uncertain significance (1 of 4 stars; one submission).

Submission:

Labcorp Genetics (formerly Invitae), Labcorp
Classification: Uncertain significance. Last evaluated: 2024-06-04. Review status: criteria provided, single submitter. Criteria: Invitae Variant Classification Sherloc (09022015). Collection method: clinical testing. Allele origin: germline.
Comment: This sequence change affects codon 21 of the FOXL2 mRNA. It is a 'silent' change, meaning that it does not change the encoded amino acid sequence of the FOXL2 protein. This variant is not present in population databases (gnomAD no frequency). This variant has not been reported in the literature in individuals affected with FOXL2-related conditions. In summary, the available evidence is currently insufficient to determine the role of this variant in disease. Therefore, it has been classified as a Variant of Uncertain Significance.